The following is an entry in ClinVar:

ClinVar aggregate classification (germline): Uncertain significance (1 of 4 stars; one submission).

Conditions:
Long QT syndrome (LQTS). Identifiers: MedGen C0023976, MeSH D008133, MONDO:0002442. Disease mechanism: loss of function. Inheritance: Various modes of inheritance.

Submission:

Labcorp Genetics (formerly Invitae), Labcorp
Classification: Uncertain significance for Long QT syndrome. Last evaluated: 2018-12-11. Review status: criteria provided, single submitter. Criteria: Invitae Variant Classification Sherloc (09022015). Collection method: clinical testing. Allele origin: germline.
Comment: In summary, this variant is a novel missense change with uncertain impact on protein function. It has been classified as a Variant of Uncertain Significance. Algorithms developed to predict the effect of missense changes on protein structure and function do not agree on the potential impact of this missense change (SIFT: "Tolerated"; PolyPhen-2: "Possibly Damaging"; Align-GVGD: "Class C0"). This variant is not present in population databases (ExAC no frequency) and has not been reported in the literature in individuals with a AKAP9-related disease. This sequence change replaces aspartic acid with tyrosine at codon 350 of the AKAP9 protein (p.Asp350Tyr). The aspartic acid residue is weakly conserved and there is a large physicochemical difference between aspartic acid and tyrosine.

NM_005751.5(AKAP9):c.1048G>T (p.Asp350Tyr)

Gene: AKAP9 (A-kinase anchoring protein 9; plus strand). Cytogenetic location: 7q21.2.
Variant type: single nucleotide variant.
Coding change: c.1048G>T on transcript NM_005751.5 (MANE Select); coding-DNA position 1048, G replaced by T.
Protein change: p.Asp350Tyr; replaces aspartic acid 350 with tyrosine.
Molecular consequence: missense variant.
Genome position (GRCh38, 1-based): chr7:92,000,965, G>T. VCF-style: chr7-92000965-G-T. GRCh37 (hg19) VCF-style: chr7-91630279-G-T.
Other names: c.1048G>T, p.Asp350Tyr (NM_147185.3); short protein forms D350Y.
Identifiers: ClinVar variation 412021 (VCV000412021.8), dbSNP rs1060503579, ClinGen allele CA16612311.